The following is an entry in ClinVar:

NM_173039.3(AQP11):c.780G>T (p.Trp260Cys)

Gene: AQP11 (aquaporin 11; plus strand). Cytogenetic location: 11q14.1.
Variant type: single nucleotide variant.
Coding change: c.780G>T on transcript NM_173039.3 (MANE Select); coding-DNA position 780, G replaced by T.
Protein change: p.Trp260Cys; replaces tryptophan 260 with cysteine.
Molecular consequence: missense variant.
Genome position (GRCh38, 1-based): chr11:77,609,341, G>T. VCF-style: chr11-77609341-G-T. GRCh37 (hg19) VCF-style: chr11-77320386-G-T.
Other names: c.663G>T, p.Trp221Cys (NM_001363477.2); short protein forms W221C, W260C.
Identifiers: ClinVar variation 1299438 (VCV001299438.4), dbSNP rs774337087, ClinGen allele CA6200404.

ClinVar aggregate classification (germline): Uncertain significance (1 of 4 stars; one submission).

Allele frequency attached by ClinVar (database versions not stated): gnomAD 0.00002; gnomAD exomes 0.00003; ExAC 0.00001; TOPMed 0.00004.

Submission:

Illumina Laboratory Services, Illumina
Classification: Uncertain significance. Last evaluated: 2018-11-26. Review status: criteria provided, single submitter. Criteria: ICSLVariantClassificationCriteria RUGD 01 April 2020. Collection method: clinical testing. Allele origin: unknown.
Comment: The AQP11 c.780G>T (p.Trp260Cys) variant is a missense variant. A literature search was performed for the gene, cDNA change, and amino acid change. No publications were found through this search. This variant is reported a frequency of 0.000063 in the European (Non-Finnish) population of the Genome Aggregation Database. Based on the available evidence, the p.Trp260Cys variant is classified as a variant of uncertain significance.